The following is an entry in ClinVar:

ClinVar aggregate classification (germline): Uncertain significance. Review status: criteria provided, multiple submitters, no conflicts (2 of 4 stars). 2 submissions from 2 submitters: Uncertain significance (2). Last evaluated 2025-08-07.

Conditions:
Developmental and epileptic encephalopathy, 14 (DEE14). Also called: Early infantile epileptic encephalopathy 14. Identifiers: Orphanet 293181, MedGen C3554195, MONDO:0013989, OMIM 614959.
Autosomal dominant nocturnal frontal lobe epilepsy 5. Also called: KCNT1-Related Epilepsy; CILIARY DYSKINESIA, PRIMARY, 28, WITHOUT SITUS INVERSUS; CILIARY DYSKINESIA, PRIMARY, 28, WITH SITUS INVERSUS; Epilepsy, nocturnal frontal lobe, 5. Identifiers: Orphanet 98784, MedGen C3554306, MONDO:0014002, OMIM 615005.

Allele frequency attached by ClinVar (database versions not stated): TOPMed 0.00002.
gnomAD v4.1: 34 of 1,613,184 alleles (0.0021%); highest among the groups gnomAD compares: Non-Finnish European, 0.0029%; no homozygotes.

Submissions (2):

Labcorp Genetics (formerly Invitae), Labcorp
Classification: Uncertain significance for Autosomal dominant nocturnal frontal lobe epilepsy 5; Developmental and epileptic encephalopathy, 14. Last evaluated: 2025-08-07. Review status: criteria provided, single submitter. Criteria: Invitae Variant Classification Sherloc (09022015). Collection method: clinical testing. Allele origin: germline.
Comment: This sequence change replaces threonine, which is neutral and polar, with arginine, which is basic and polar, at codon 191 of the KCNT1 protein (p.Thr191Arg). This variant is present in population databases (no rsID available, gnomAD 0.002%). This variant has not been reported in the literature in individuals affected with KCNT1-related conditions. ClinVar contains an entry for this variant (Variation ID: 452257). Invitae Evidence Modeling of protein sequence and biophysical properties (such as structural, functional, and spatial information, amino acid conservation, physicochemical variation, residue mobility, and thermodynamic stability) indicates that this missense variant is not expected to disrupt KCNT1 protein function with a negative predictive value of 80%. In summary, the available evidence is currently insufficient to determine the role of this variant in disease. Therefore, it has been classified as a Variant of Uncertain Significance.

GeneDx
Classification: Uncertain significance. Last evaluated: 2023-05-25. Review status: criteria provided, single submitter. Criteria: GeneDx Variant Classification Process June 2021. Collection method: clinical testing. Allele origin: germline. Affected: yes.
Comment: In silico analysis supports that this missense variant has a deleterious effect on protein structure/function; Has not been previously published as pathogenic or benign to our knowledge

NM_020822.3(KCNT1):c.572C>G (p.Thr191Arg)

Gene: KCNT1 (potassium sodium-activated channel subfamily T member 1; plus strand). Cytogenetic location: 9q34.3.
Variant type: single nucleotide variant.
Coding change: c.572C>G on transcript NM_020822.3 (MANE Select); coding-DNA position 572, C replaced by G.
Protein change: p.Thr191Arg; replaces threonine 191 with arginine.
Molecular consequence: missense variant.
Genome position (GRCh38, 1-based): chr9:135,756,904, C>G. VCF-style: chr9-135756904-C-G. GRCh37 (hg19) VCF-style: chr9-138648750-C-G.
Other names: c.428C>G, p.Thr143Arg (NM_001272003.2); short protein forms T191R, T143R.
Identifiers: ClinVar variation 452257 (VCV000452257.4), dbSNP rs1429039180, ClinGen allele CA375497055.